The following is an entry in ClinVar:

NM_000093.5(COL5A1):c.4230G>C (p.Lys1410Asn)

Gene: COL5A1 (collagen type V alpha 1 chain; plus strand). Cytogenetic location: 9q34.3.
Variant type: single nucleotide variant.
Coding change: c.4230G>C on transcript NM_000093.5 (MANE Select); coding-DNA position 4230, G replaced by C.
Protein change: p.Lys1410Asn; replaces lysine 1410 with asparagine.
Molecular consequence: missense variant.
Genome position (GRCh38, 1-based): chr9:134,817,831, G>C. VCF-style: chr9-134817831-G-C. GRCh37 (hg19) VCF-style: chr9-137709677-G-C.
Other names: p.K1410N:AAG>AAC; c.4230G>C, p.Lys1410Asn (NM_001278074.1); short protein forms K1410N.
Identifiers: ClinVar variation 212973 (VCV000212973.2), dbSNP rs863223453, ClinGen allele CA320638.

ClinVar aggregate classification (germline): Likely pathogenic (1 of 4 stars; one submission).

Submission:

GeneDx
Classification: Likely pathogenic. Last evaluated: 2014-08-25. Review status: criteria provided, single submitter. Criteria: GeneDx Variant Classification (06012015). Collection method: clinical testing. Allele origin: germline. Affected: yes.
Comment: A K1410N variant that is likely pathogenic was identified in the COL5A1 gene. It has not been published as a mutation, nor has it been reported as a benign polymorphism to our knowledge. The K1410N variant was not observed in approximately 6,500 individuals of European and African American ancestry in the NHLBI Exome Sequencing Project, indicating it is not a common benign variant in these population. The K1410N variant is a semi-conservative amino acid substitution, which may impact secondary protein structure as these residues differ in some properties. Additionally, this substitution occurs within the triplehelical region at a position that is conserved across species. Furthermore, in silico analysis predicts this missense substitution is probably damaging to protein structure/function. Several splice prediction algorithms predict that the c.4230 G>C transversion, which occurs at the terminal (3') base pair of exon 54, significantly reduces the efficiency of the natural splice donor site, and may alter proper RNA splicing. Although missense mutations in nearby residues have not been reported, several splicing mutations have been reported in association with EDS. However, with the clinical and molecular information available at this time, we cannot definitively determine if K1410N is a disease causing mutation. This variant was found in COL5A1,TAAD